The following is an entry in ClinVar:

NM_000535.7(PMS2):c.524G>A (p.Arg175Lys)

Gene: PMS2 (PMS1 homolog 2, mismatch repair system component; minus strand). Cytogenetic location: 7p22.1.
Variant type: single nucleotide variant.
Coding change: c.524G>A on transcript NM_000535.7 (MANE Select); coding-DNA position 524, G replaced by A.
Protein change: p.Arg175Lys; replaces arginine 175 with lysine.
Molecular consequence: missense variant. On other transcripts: 5 prime UTR variant (2), non-coding transcript variant (1).
Genome position (GRCh38, 1-based): chr7:6,002,466, C>T on the plus strand (G>A on the coding strand, the complement: PMS2 is on the minus strand). VCF-style: chr7-6002466-C-T. GRCh37 (hg19) VCF-style: chr7-6042097-C-T.
Other names: c.119G>A, p.Arg40Lys (NM_001322003.2, NM_001322004.2, NM_001322005.2 and 3 more transcripts); c.524G>A, p.Arg175Lys (NM_001322006.2, NM_001322014.2); c.206G>A, p.Arg69Lys (NM_001322007.2, NM_001322008.2); c.-361G>A (NM_001322011.2, NM_001322012.2); c.215G>A, p.Arg72Lys (NM_001322015.2); short protein forms R175K, R40K, R69K, R72K.
Identifiers: ClinVar variation 941876 (VCV000941876.10), dbSNP rs1562688735, ClinGen allele CA366744178.

ClinVar aggregate classification (germline): Uncertain significance. Review status: criteria provided, multiple submitters, no conflicts (2 of 4 stars). 2 submissions from 2 submitters: Uncertain significance (2). Last evaluated 2026-03-12.

Conditions:
Hereditary cancer-predisposing syndrome. Also called: Tumor predisposition; Hereditary neoplastic syndrome; Hereditary Cancer Syndrome; Neoplastic Syndromes, Hereditary. Identifiers: Orphanet 140162, MedGen C0027672, MeSH D009386, MONDO:0015356.
Hereditary nonpolyposis colorectal neoplasms. Identifiers: MedGen C0009405, MeSH D003123.

Submissions (2):

Ambry Genetics
Classification: Uncertain significance for Hereditary cancer-predisposing syndrome. Last evaluated: 2026-03-12. Review status: criteria provided, single submitter. Criteria: Ambry Variant Classification Scheme 2023. Collection method: clinical testing. Allele origin: germline.
Comment: The p.R175K variant (also known as c.524G>A), located in coding exon 5 of the PMS2 gene, results from a G to A substitution at nucleotide position 524. The arginine at codon 175 is replaced by lysine, an amino acid with highly similar properties. This amino acid position is conserved. In addition, this alteration is predicted to be tolerated by in silico analysis. Based on the available evidence, the clinical significance of this variant remains unclear.

Labcorp Genetics (formerly Invitae), Labcorp
Classification: Uncertain significance for Hereditary nonpolyposis colorectal neoplasms. Last evaluated: 2025-09-09. Review status: criteria provided, single submitter. Criteria: Invitae Variant Classification Sherloc (09022015). Collection method: clinical testing. Allele origin: germline.
Comment: This sequence change replaces arginine, which is basic and polar, with lysine, which is basic and polar, at codon 175 of the PMS2 protein (p.Arg175Lys). This variant is not present in population databases (gnomAD no frequency). This variant has not been reported in the literature in individuals affected with PMS2-related conditions. ClinVar contains an entry for this variant (Variation ID: 941876). Invitae Evidence Modeling incorporating data from in vitro experimental studies (internal data) indicates that this missense variant is not expected to disrupt PMS2 function with a negative predictive value of 95%. In summary, the available evidence is currently insufficient to determine the role of this variant in disease. Therefore, it has been classified as a Variant of Uncertain Significance.